The following is an entry in ClinVar:

NM_152564.5(VPS13B):c.10473C>G (p.Leu3491=)

Gene: VPS13B (vacuolar protein sorting 13 homolog B; plus strand). Cytogenetic location: 8q22.2.
Variant type: single nucleotide variant.
Coding change: c.10473C>G on transcript NM_152564.5 (MANE Select); coding-DNA position 10473, C replaced by G.
Protein change: p.Leu3491=; no amino-acid change (leucine 3491 retained).
Molecular consequence: synonymous variant.
Genome position (GRCh38, 1-based): chr8:99,853,862, C>G. VCF-style: chr8-99853862-C-G. GRCh37 (hg19) VCF-style: chr8-100866090-C-G.
Other names: c.10548C>G, p.Leu3516= (NM_017890.5); c.10473C>G (NM_152564.4).
Identifiers: ClinVar variation 1142302 (VCV001142302.33), dbSNP rs1302374134, ClinGen allele CA462458257.

ClinVar aggregate classification (germline): Likely benign. Review status: criteria provided, multiple submitters, no conflicts (2 of 4 stars). 3 submissions from 3 submitters: Likely benign (3). Last evaluated 2025-09-17.

Conditions:
Cohen syndrome (COH1). Also called: Cutis verticis gyrata, retinitis pigmentosa, and sensorineural deafness; PEPPER SYNDROME. Identifiers: Orphanet 193, MedGen C0265223, MONDO:0008999, OMIM 216550.
VPS13B-related disorder. Also called: VPS13B-related condition.

Allele frequency attached by ClinVar (database versions not stated): gnomAD 0.00001; gnomAD exomes 0.00001; TOPMed 0.00001.
gnomAD v4.1: 17 of 1,614,134 alleles (0.0011%); highest among the groups gnomAD compares: Non-Finnish European, 0.0012%; no homozygotes.

Submissions (3):

Labcorp Genetics (formerly Invitae), Labcorp
Classification: Likely benign for Cohen syndrome. Last evaluated: 2025-09-17. Review status: criteria provided, single submitter. Criteria: Invitae Variant Classification Sherloc (09022015). Collection method: clinical testing. Allele origin: germline.

PreventionGenetics, part of Exact Sciences
Classification: Likely benign for VPS13B-related condition. Last evaluated: 2025-07-22. Review status: criteria provided, single submitter. Criteria: ACMG Guidelines, 2015. Collection method: clinical testing. Allele origin: germline.
Comment: This variant is classified as likely benign based on ACMG/AMP sequence variant interpretation guidelines (Richards et al. 2015 PMID: 25741868, with internal and published modifications).

CeGaT Center for Human Genetics Tuebingen
Classification: Likely benign. Last evaluated: 2022-10-01. Review status: criteria provided, single submitter. Criteria: CeGaT Center For Human Genetics Tuebingen Variant Classification Criteria Version 2. Collection method: clinical testing. Allele origin: germline. Affected: yes. Observed: 1 variant allele.
Comment: VPS13B: BP4, BP7